The following is an entry in ClinVar:

NM_182894.3(VSX2):c.695del (p.Leu232fs)

Gene: VSX2 (visual system homeobox 2; plus strand). Cytogenetic location: 14q24.3.
Variant type: Deletion.
Coding change: c.695del on transcript NM_182894.3 (MANE Select); coding-DNA position 695, one base deleted (T; older notation c.695delT).
Protein change: p.Leu232fs; shifts the reading frame from leucine 232.
Molecular consequence: frameshift variant.
Genome position (GRCh38, 1-based): chr14:74,259,717, T deleted. VCF-style (leftmost placement, unchanged base first): chr14-74259716-CT-C. GRCh37 (hg19) VCF-style: chr14-74726419-CT-C.
Other names: c.695del (NM_182894.2); short protein forms L232fs.
Identifiers: ClinVar variation 3576734 (VCV003576734.2).

ClinVar aggregate classification (germline): Likely pathogenic. Review status: criteria provided, multiple submitters, no conflicts (2 of 4 stars). 2 submissions from 2 submitters: Likely pathogenic (2). Last evaluated 2024-05-31.

Conditions:
Microphthalmia. Also called: Microphthalmos. Identifiers: MedGen C0026010, MONDO:0021129, HP:0000568.
Isolated microphthalmia 2. Identifiers: Orphanet 2542, MedGen C1864720, MONDO:0012409, OMIM 610093.
Microphthalmia, isolated, with coloboma 3 (MCOPCB3). Also called: MICROPHTHALMIA, COLOBOMATOUS, 3; MICROPHTHALMIA/COLOBOMA 3. Identifiers: Orphanet 98938, MedGen C1864721, MONDO:0012408, OMIM 610092.

Submissions (2):

Natera, Inc.
Classification: Likely pathogenic for Microphthalmia. Last evaluated: 2024-05-31. Review status: criteria provided, single submitter. Criteria: Natera Variant Classification Schema (03/2026). Collection method: clinical testing. Allele origin: germline.
Comment: The c.695del variant in VSX2 is a frameshift variant predicted to shift the reading frame beginning at codon 232 and leads to a stop codon 70 codons downstream. This variant is expected to result in nonsense mediated decay, truncation, or a dysfunctional protein product. This variant is rare in the general population with a frequency below the threshold expected for the associated phenotype(s). Given the available evidence, this variant is classified as Likely Pathogenic.

Fulgent Genetics
Classification: Likely pathogenic for Microphthalmia, isolated, with coloboma 3; Isolated microphthalmia 2. Last evaluated: 2024-01-29. Review status: criteria provided, single submitter. Criteria: ACMG Guidelines, 2015. Collection method: clinical testing. Allele origin: germline.